The following is an entry in ClinVar:

ClinVar aggregate classification (germline): Uncertain significance. Review status: criteria provided, multiple submitters, no conflicts (2 of 4 stars). 2 submissions from 2 submitters: Uncertain significance (2). Last evaluated 2023-08-10.

Conditions:
Inborn genetic diseases. Identifiers: MedGen C0950123, MeSH D030342.

Allele frequency attached by ClinVar (database versions not stated): gnomAD 0.00001; TOPMed 0.00002; gnomAD exomes 0.00005; ExAC 0.00007; ESP Exome Variant Server 0.00023.

Submissions (2):

Ambry Genetics
Classification: Uncertain significance for Inborn genetic diseases. Last evaluated: 2023-08-10. Review status: criteria provided, single submitter. Criteria: Ambry Variant Classification Scheme 2023. Collection method: clinical testing. Allele origin: germline.

Labcorp Genetics (formerly Invitae), Labcorp
Classification: Uncertain significance. Last evaluated: 2022-06-27. Review status: criteria provided, single submitter. Criteria: Invitae Variant Classification Sherloc (09022015). Collection method: clinical testing. Allele origin: germline.
Comment: This sequence change replaces proline, which is neutral and non-polar, with leucine, which is neutral and non-polar, at codon 444 of the C8B protein (p.Pro444Leu). This variant is present in population databases (rs371378397, gnomAD 0.02%). This variant has not been reported in the literature in individuals affected with C8B-related conditions. Algorithms developed to predict the effect of missense changes on protein structure and function are either unavailable or do not agree on the potential impact of this missense change (SIFT: "Deleterious"; PolyPhen-2: "Probably Damaging"; Align-GVGD: "Class C0"). In summary, the available evidence is currently insufficient to determine the role of this variant in disease. Therefore, it has been classified as a Variant of Uncertain Significance.

NM_000066.4(C8B):c.1331C>T (p.Pro444Leu)

Gene: C8B (complement C8 beta chain; minus strand). Cytogenetic location: 1p32.2.
Variant type: single nucleotide variant.
Coding change: c.1331C>T on transcript NM_000066.4 (MANE Select); coding-DNA position 1331, C replaced by T.
Protein change: p.Pro444Leu; replaces proline 444 with leucine.
Molecular consequence: missense variant.
Genome position (GRCh38, 1-based): chr1:56,940,916, G>A on the plus strand (C>T on the coding strand, the complement: C8B is on the minus strand). VCF-style: chr1-56940916-G-A. GRCh37 (hg19) VCF-style: chr1-57406589-G-A.
Other names: c.1175C>T, p.Pro392Leu (NM_001278543.2); c.1145C>T, p.Pro382Leu (NM_001278544.2); c.1331C>T (NM_000066.2); short protein forms P382L, P392L, P444L.
Identifiers: ClinVar variation 1409825 (VCV001409825.6), dbSNP rs371378397, ClinGen allele CA875680.